The following is an entry in ClinVar:

NM_144631.6(ZNF513):c.1592C>T (p.Ala531Val)

Gene: ZNF513 (zinc finger protein 513; minus strand). Cytogenetic location: 2p23.3.
Variant type: single nucleotide variant.
Coding change: c.1592C>T on transcript NM_144631.6 (MANE Select); coding-DNA position 1592, C replaced by T.
Protein change: p.Ala531Val; replaces alanine 531 with valine.
Molecular consequence: missense variant.
Genome position (GRCh38, 1-based): chr2:27,377,579, G>A on the plus strand (C>T on the coding strand, the complement: ZNF513 is on the minus strand). VCF-style: chr2-27377579-G-A. GRCh37 (hg19) VCF-style: chr2-27600446-G-A.
Other names: c.1406C>T, p.Ala469Val (NM_001201459.2); short protein forms A469V, A531V.
Identifiers: ClinVar variation 969679 (VCV000969679.10), dbSNP rs1683383896, ClinGen allele CA346214033.
Genomic context (GRCh38, chr2:27,377,579, plus strand): 5'-TAAAACATGGGGAAGAAGGACCTAGTTCAGGATGAGTCTGTGTGGACAGCCCGGCTGCCA[G>A]CAGTCCCCAGGGCTGGTGGGCCCCGAGAGCTCAAAACAGAGGGTGGGCTATGAGGTGGGG-3'
Protein context (NP_653232.3, residues 521-541): SSRGPPALGT[Ala531Val]GSRAVHTDSS

ClinVar aggregate classification (germline): Uncertain significance. Review status: criteria provided, multiple submitters, no conflicts (2 of 4 stars). 2 submissions from 2 submitters: Uncertain significance (2). Last evaluated 2024-06-07.

Submissions (2):

Ambry Genetics
Classification: Uncertain significance. Last evaluated: 2024-06-07. Review status: criteria provided, single submitter. Criteria: Ambry Variant Classification Scheme 2023. Collection method: clinical testing. Allele origin: germline.

Labcorp Genetics (formerly Invitae), Labcorp
Classification: Uncertain significance. Last evaluated: 2022-11-12. Review status: criteria provided, single submitter. Criteria: Invitae Variant Classification Sherloc (09022015). Collection method: clinical testing. Allele origin: germline.
Comment: This sequence change replaces alanine, which is neutral and non-polar, with valine, which is neutral and non-polar, at codon 531 of the ZNF513 protein (p.Ala531Val). This variant is not present in population databases (gnomAD no frequency). This variant has not been reported in the literature in individuals affected with ZNF513-related conditions. ClinVar contains an entry for this variant (Variation ID: 969679). Algorithms developed to predict the effect of missense changes on protein structure and function (SIFT, PolyPhen-2, Align-GVGD) all suggest that this variant is likely to be tolerated. In summary, the available evidence is currently insufficient to determine the role of this variant in disease. Therefore, it has been classified as a Variant of Uncertain Significance.